The following is an entry in ClinVar:

ClinVar aggregate classification (germline): Pathogenic (1 of 4 stars; one submission).

Conditions:
Hereditary spastic paraplegia 15 (SPG15). Also called: SPASTIC PARAPLEGIA 15, AUTOSOMAL RECESSIVE; KJELLIN SYNDROME; SPASTIC PARAPLEGIA AND RETINAL DEGENERATION. Identifiers: Orphanet 100996, MedGen C1849128, MONDO:0010044, OMIM 270700.

Submission:

Victorian Clinical Genetics Services, Murdoch Childrens Research Institute
Classification: Pathogenic for Hereditary spastic paraplegia 15. Last evaluated: 2025-09-04. Review status: criteria provided, single submitter. Criteria: ACMG Guidelines, 2015. Collection method: clinical testing. Allele origin: germline. Affected: yes.
Comment: This variant is classified as Pathogenic. Evidence in support of pathogenic classification: Variant is predicted to cause nonsense-mediated decay (NMD) and loss of protein (premature termination codon is located at least 54 nucleotides upstream of the final exon-exon junction); Variant is absent from gnomAD (v2, v3 and v4); This variant has limited previous evidence of pathogenicity in unrelated individual(s). This variant was identified in at least one individual with hereditary spastic paraplegia 15 and classified as likely pathogenic (PMID: 36315648); Other null variants comparable to the one identified in this case have very strong previous evidence for pathogenicity. There are at least ten NMD-predicted variants that have been classified as likely pathogenic or pathogenic (DECIPHER). Additional information: This variant is homozygous; This gene is associated with autosomal recessive disease; No published evidence of segregation with disease has been identified for this variant; No published functional evidence has been identified for this variant; Loss of function is a known mechanism of disease in this gene and is associated with spastic paraplegia 15 (MIM#270700); Inheritance information for this variant is not currently available in this individual.

Literature cited by the submitters: PubMed 36315648.

NM_015346.4(ZFYVE26):c.517del (p.Glu173fs)

Gene: ZFYVE26 (zinc finger FYVE-type containing 26; minus strand). Cytogenetic location: 14q24.1.
Variant type: Deletion.
Coding change: c.517del on transcript NM_015346.4 (MANE Select); coding-DNA position 517, one base deleted (G; older notation c.517delG).
Protein change: p.Glu173fs; shifts the reading frame from glutamic acid 173.
Molecular consequence: frameshift variant.
Genome position (GRCh38, 1-based): chr14:67,807,767, C deleted on the plus strand (G on the coding strand, the reverse complement: ZFYVE26 is on the minus strand); the first of 2 consecutive C bases (chr14:67,807,767-67,807,768); deleting either gives the same sequence. VCF-style (leftmost placement, unchanged base first): chr14-67807766-TC-T. GRCh37 (hg19) VCF-style: chr14-68274483-TC-T.
Other names: short protein forms E173fs.
Identifiers: ClinVar variation 1805297 (VCV001805297.3), dbSNP rs2502881195, ClinGen allele CA913203539.
Genomic context (GRCh38, chr14:67,807,766, plus strand): 5'-AGTGCATTCTGCAGAGGCCAGTGACAGAGGCCAGTACCGTCATCCTCCTCAAGCAGGAGC[TC>T]CAGCAGGGCCTGTGCTGGCTGGGGAGACTGCCTCAGGAGATCCCAGAGCACAGAGACAGC-3'